The following is an entry in ClinVar:

NM_001130965.3(SUN1):c.773G>T (p.Gly258Val)

Gene: SUN1 (Sad1 and UNC84 domain containing 1; plus strand). Cytogenetic location: 7p22.3.
Variant type: single nucleotide variant.
Coding change: c.773G>T on transcript NM_001130965.3 (MANE Select); coding-DNA position 773, G replaced by T.
Protein change: p.Gly258Val; replaces glycine 258 with valine.
Molecular consequence: missense variant. On other transcripts: non-coding transcript variant (3).
Genome position (GRCh38, 1-based): chr7:851,965, G>T. VCF-style: chr7-851965-G-T. GRCh37 (hg19) VCF-style: chr7-891602-G-T.
Other names: c.773G>T (NM_001130965.2); c.956G>T, p.Gly319Val (NM_001367675.1, NM_001367676.1, NM_001367640.1); c.1082G>T, p.Gly361Val (NM_001367677.1, NM_001367692.1); c.1166G>T, p.Gly389Val (NM_001367678.1, NM_001367699.1, NM_001367703.1 and 2 more transcripts); c.734G>T, p.Gly245Val (NM_001367679.1, NM_001367645.1, NM_001367667.1 and 1 more transcripts); c.707G>T, p.Gly236Val (NM_001367680.1, NM_001367701.1, NM_001367644.1); c.821G>T, p.Gly274Val (NM_001367681.1); c.1055G>T, p.Gly352Val (NM_001367682.1, NM_001367698.1, NM_001367641.1); and 25 more; short protein forms G106V, G141V, G156V, G175V, G203V, G208V, G212V, G232V.
Identifiers: ClinVar variation 999854 (VCV000999854.10), dbSNP rs1423385703, ClinGen allele CA366529097.

ClinVar aggregate classification (germline): Uncertain significance. Review status: criteria provided, multiple submitters, no conflicts (2 of 4 stars). 2 submissions from 2 submitters: Uncertain significance (2). Last evaluated 2025-05-21.

Conditions:
Emery-Dreifuss muscular dystrophy (EDMD). Also called: Scapuloperoneal syndrome, X-linked (formerly); Humeroperoneal neuromuscular disease, (formerly). Identifiers: Orphanet 261, MedGen C0410189, MONDO:0016830.

Allele frequency attached by ClinVar (database versions not stated): gnomAD 0.00001; TOPMed 0.00001.
gnomAD v4.1: 2 of 1,613,894 alleles (0.00012%); highest among the groups gnomAD compares: Admixed American, 0.0017%; no homozygotes.

Submissions (2):

Ambry Genetics
Classification: Uncertain significance. Last evaluated: 2025-05-21. Review status: criteria provided, single submitter. Criteria: Ambry Variant Classification Scheme 2023. Collection method: clinical testing. Allele origin: germline.

Labcorp Genetics (formerly Invitae), Labcorp
Classification: Uncertain significance for Emery-Dreifuss muscular dystrophy. Last evaluated: 2020-02-21. Review status: criteria provided, single submitter. Criteria: Invitae Variant Classification Sherloc (09022015). Collection method: clinical testing. Allele origin: germline.
Comment: This sequence change replaces glycine with valine at codon 258 of the SUN1 protein (p.Gly258Val). The glycine residue is highly conserved and there is a moderate physicochemical difference between glycine and valine. This variant is not present in population databases (ExAC no frequency). This variant has not been reported in the literature in individuals with SUN1-related conditions. Algorithms developed to predict the effect of missense changes on protein structure and function are either unavailable or do not agree on the potential impact of this missense change (SIFT: "Deleterious"; PolyPhen-2: "Possibly Damaging"; Align-GVGD: "Class C0"). In summary, the available evidence is currently insufficient to determine the role of this variant in disease. Therefore, it has been classified as a Variant of Uncertain Significance.